The following is an entry in ClinVar:

NM_000037.4(ANK1):c.2287_2295+1del

Gene: ANK1 (ankyrin 1; minus strand). Cytogenetic location: 8p11.21.
Variant type: Deletion.
Coding change: c.2287_2295+1del on transcript NM_000037.4 (MANE Select); coding-DNA position 2287 through the canonical splice donor site of the intron after coding-DNA position 2295, 10 bases deleted (GTCAGCTCGG; older notation c.2287_2295+1delGTCAGCTCGG).
Molecular consequence: splice donor variant.
Genome position (GRCh38, 1-based): chr8:41,704,040-41,704,049, CCGAGCTGAC deleted on the plus strand (GTCAGCTCGG on the coding strand, the reverse complement: ANK1 is on the minus strand); deleting any 10 consecutive bases within chr8:41,704,040-41,704,050 gives the same sequence; the c. name uses the placement nearest the transcript's 3' end. VCF-style (leftmost placement, unchanged base first): chr8-41704039-ACCGAGCTGAC-A. GRCh37 (hg19) VCF-style: chr8-41561557-ACCGAGCTGAC-A.
Other names: c.2386_2394+1del (NM_001142446.2); c.2287_2295+1del (NM_020477.3, NM_020475.3, NM_020476.3).
Identifiers: ClinVar variation 4685612 (VCV004685612.1).
Genomic context (GRCh38, chr8:41,704,039, plus strand): 5'-TTCACACAGGGCTGCTGCCATGGGGAGCAGTTTTCTAAACTCAGGAGAGAGAGTGTACTC[ACCGAGCTGAC>A]CTCGTTTGGGGAAGCACCGTTTTTCAGAAGCAGAGTCACGATGTCTGTGTGTCCCTGCTG-3'

ClinVar aggregate classification (germline): Likely pathogenic (1 of 4 stars; one submission).

Conditions:
Hereditary spherocytosis type 1. Also called: Spherocytosis type 1; ANK1-Related Spherocytosis. Identifiers: Orphanet 822, MedGen C2674218, MONDO:0008447, OMIM 182900.

Submission:

ARUP Laboratories, Molecular Genetics and Genomics, ARUP Laboratories
Classification: Likely pathogenic for Hereditary spherocytosis type 1. Last evaluated: 2025-02-12. Review status: criteria provided, single submitter. Criteria: ARUP Molecular Germline Variant Investigation Process 2024. Collection method: clinical testing. Allele origin: germline.
Comment: The ANK1 c.2287_2295+1del; p.Val763MetfsTer8 variant, to our knowledge, is not reported in the medical literature or gene specific databases. This variant is also absent from the Genome Aggregation Database (v2.1.1), indicating it is not a common polymorphism. This 10-nucleotide deletion disrupts a canonical splice donor site which is likely to negatively impact gene function. Based on available information, this variant is considered to be likely pathogenic.